The following is an entry in ClinVar:

NC_000002.11:g.(?_46844353)_(46846821_46850902)del

Gene: CRIPT (CXXC repeat containing interactor of PDZ3 domain; plus strand). Cytogenetic location: 2p21.
Variant type: Deletion.
Identifiers: ClinVar variation 3896326 (VCV003896326.2).

ClinVar aggregate classification (germline): Pathogenic (1 of 4 stars; one submission).

Conditions:
Rothmund-Thomson syndrome type 3. Also called: Short stature with microcephaly and distinctive facies. Identifiers: MedGen C4014339, MONDO:0014347, OMIM 615789.

Submission:

Women's Health and Genetics/Laboratory Corporation of America, LabCorp
Classification: Pathogenic for Rothmund-Thomson syndrome type 3. Last evaluated: 2025-04-29. Review status: criteria provided, single submitter. Criteria: LabCorp Variant Classification Summary - May 2015. Collection method: clinical testing. Allele origin: germline.
Comment: Variant summary: The variant involves the deletion of exons 1-3 in the CRIPT gene. The exact breakpoint at the 5' end of this variant is unknown, therefore this deletion may extend upstream of the annotated region of this gene. Although the exact breakpoints of this deletion are not known, it is predicted to remove the initiation codon and result in an absence of protein or a truncation of the encoded protein due to translation initiation at a downstream site. A presumed nomenclature of c.(?_-69)_(137+1_138-1)del has been designated for the purposes of this classification. The variant was absent in 21694 control chromosomes (gnomAD). To our knowledge, no occurrence of c.(?_-69)_(137+1_138-1)del in individuals affected with Short Stature With Microcephaly And Distinctive Facies and no experimental evidence demonstrating its impact on protein function have been reported. No submitters have cited clinical-significance assessments for this variant to ClinVar. Based on the evidence outlined above, the variant was classified as pathogenic.